The following is an entry in ClinVar:

NM_016151.4(TAOK2):c.1340C>G (p.Pro447Arg)

Gene: TAOK2 (TAO kinase 2; plus strand). Cytogenetic location: 16p11.2.
Variant type: single nucleotide variant.
Coding change: c.1340C>G on transcript NM_016151.4 (MANE Select); coding-DNA position 1340, C replaced by G.
Protein change: p.Pro447Arg; replaces proline 447 with arginine.
Molecular consequence: missense variant.
Genome position (GRCh38, 1-based): chr16:29,983,582, C>G. VCF-style: chr16-29983582-C-G. GRCh37 (hg19) VCF-style: chr16-29994903-C-G.
Other names: c.1340C>G, p.Pro447Arg (NM_001252043.2, NM_004783.4); short protein forms P447R.
Identifiers: ClinVar variation 1372047 (VCV001372047.8), dbSNP rs1255686667, ClinGen allele CA395481848.

ClinVar aggregate classification (germline): Uncertain significance (1 of 4 stars; one submission).

Allele frequency attached by ClinVar (database versions not stated): gnomAD exomes below 0.00001.

Submission:

Labcorp Genetics (formerly Invitae), Labcorp
Classification: Uncertain significance. Last evaluated: 2021-05-31. Review status: criteria provided, single submitter. Criteria: Invitae Variant Classification Sherloc (09022015). Collection method: clinical testing. Allele origin: germline.
Comment: In summary, the available evidence is currently insufficient to determine the role of this variant in disease. Therefore, it has been classified as a Variant of Uncertain Significance. Algorithms developed to predict the effect of missense changes on protein structure and function (SIFT, PolyPhen-2, Align-GVGD) all suggest that this variant is likely to be tolerated, but these predictions have not been confirmed by published functional studies and their clinical significance is uncertain. This variant has not been reported in the literature in individuals with TAOK2-related conditions. This variant is not present in population databases (ExAC no frequency). This sequence change replaces proline with arginine at codon 447 of the TAOK2 protein (p.Pro447Arg). The proline residue is weakly conserved and there is a moderate physicochemical difference between proline and arginine.